The following is an entry in ClinVar:

ClinVar aggregate classification (germline): Uncertain significance. Review status: criteria provided, multiple submitters, no conflicts (2 of 4 stars). 5 submissions from 5 submitters: Uncertain significance (5). Last evaluated 2026-04-20.

Conditions:
Autosomal recessive limb-girdle muscular dystrophy type 2Q (LGMDR17). Also called: MUSCULAR DYSTROPHY, LIMB-GIRDLE, AUTOSOMAL RECESSIVE 17. Identifiers: Orphanet 254361, MedGen C3150989, MONDO:0013390, OMIM 613723.
Epidermolysis bullosa simplex 5B, with muscular dystrophy (EBS5B). Also called: EPIDERMOLYSIS BULLOSA SIMPLEX AND LIMB-GIRDLE MUSCULAR DYSTROPHY; Epidermolysis bullosa simplex with muscular dystrophy. Identifiers: Orphanet 257, MedGen C2931072, MONDO:0009181, OMIM 226670.
Epidermolysis bullosa simplex, Ogna type (EBS5A). Also called: Pidermolysis bullosa simplex 5A, Ogna type; EPIDERMOLYSIS BULLOSA SIMPLEX 5A, OGNA TYPE. Identifiers: Orphanet 79401, MedGen C0432317, MONDO:0007555, OMIM 131950.
Epidermolysis bullosa simplex with nail dystrophy (EBS5D). Identifiers: MedGen C4225309, MONDO:0014661, OMIM 616487.
Epidermolysis bullosa simplex 5C, with pyloric atresia (EBS5C). Also called: PLEC-Related Epidermolysis Bullosa with Pyloric Atresia; Epidermolysis bullosa simplex with pyloric atresia; PLEC1-Related Epidermolysis Bullosa with Pyloric Atresia. Identifiers: Orphanet 158684, MedGen C2677349, MONDO:0012807, OMIM 612138.
PLEC-related disorder. Also called: PLEC-related disorders; PLEC-related condition.
Inborn genetic diseases. Identifiers: MedGen C0950123, MeSH D030342.

Allele frequency attached by ClinVar (database versions not stated): ExAC 0.00002; gnomAD exomes 0.00002; TOPMed 0.00005; gnomAD 0.00008 and 0.00009; 1000 Genomes Project 30x 0.00016; 1000 Genomes Project 0.00020.
gnomAD v4.1: 37 of 1,594,540 alleles (0.0023%); highest among the groups gnomAD compares: African/African-American, 0.015%; no homozygotes.

Submissions (5):

PreventionGenetics, part of Exact Sciences
Classification: Uncertain significance for PLEC-related condition. Last evaluated: 2026-04-20. Review status: criteria provided, single submitter. Criteria: ACMG Guidelines, 2015. Collection method: clinical testing. Allele origin: germline.
Comment: The PLEC c.6101C>T variant is predicted to result in the amino acid substitution p.Ala2034Val. To our knowledge, this variant has not been reported in the literature. This variant is reported in 0.0094% of alleles in individuals of African descent in gnomAD. At this time, the clinical significance of this variant is uncertain due to the absence of conclusive functional and genetic evidence.

Labcorp Genetics (formerly Invitae), Labcorp
Classification: Uncertain significance for Autosomal recessive limb-girdle muscular dystrophy type 2Q; Epidermolysis bullosa simplex, Ogna type; Epidermolysis bullosa simplex with nail dystrophy; Epidermolysis bullosa simplex 5C, with pyloric atresia; Epidermolysis bullosa simplex 5B, with muscular dystrophy. Last evaluated: 2025-12-01. Review status: criteria provided, single submitter. Criteria: Invitae Variant Classification Sherloc (09022015). Collection method: clinical testing. Allele origin: germline.
Comment: This sequence change replaces alanine, which is neutral and non-polar, with valine, which is neutral and non-polar, at codon 2034 of the PLEC protein (p.Ala2034Val). The frequency data for this variant in the population databases is considered unreliable, as metrics indicate poor data quality at this position in the gnomAD database. This variant has not been reported in the literature in individuals affected with PLEC-related conditions. ClinVar contains an entry for this variant (Variation ID: 497004). Experimental studies and prediction algorithms are not available or were not evaluated, and the functional significance of this variant is currently unknown. In summary, the available evidence is currently insufficient to determine the role of this variant in disease. Therefore, it has been classified as a Variant of Uncertain Significance.

Ambry Genetics
Classification: Uncertain significance for Inborn genetic diseases. Last evaluated: 2022-02-02. Review status: criteria provided, single submitter. Criteria: Ambry Variant Classification Scheme 2023. Collection method: clinical testing. Allele origin: germline.

Laboratorio de Genetica e Diagnostico Molecular, Hospital Israelita Albert Einstein
Classification: Uncertain significance. Last evaluated: 2020-12-07. Review status: criteria provided, single submitter. Criteria: ACMG Guidelines, 2015. Collection method: clinical testing. Allele origin: germline. Affected: yes.
Comment: ACMG classification criteria: PM2, BP4

Eurofins Ntd Llc (ga)
Classification: Uncertain significance. Last evaluated: 2017-02-21. Review status: criteria provided, single submitter. Criteria: EGL Classification Definitions 2015. Collection method: clinical testing. Allele origin: germline. Observed: 3 variant alleles, 3 heterozygotes.

NM_201384.3(PLEC):c.6020C>T (p.Ala2007Val)

Gene: PLEC (plectin; minus strand). Cytogenetic location: 8q24.3.
Variant type: single nucleotide variant.
Coding change: c.6020C>T on transcript NM_201384.3 (MANE Select); coding-DNA position 6020, C replaced by T.
Protein change: p.Ala2007Val; replaces alanine 2007 with valine.
Molecular consequence: missense variant.
Genome position (GRCh38, 1-based): chr8:143,923,909, G>A on the plus strand (C>T on the coding strand, the complement: PLEC is on the minus strand). VCF-style: chr8-143923909-G-A. GRCh37 (hg19) VCF-style: chr8-144998077-G-A.
Other names: c.6101C>T (NM_000445.3, NM_000445.4); c.6101C>T, p.Ala2034Val (NM_000445.5); c.5978C>T, p.Ala1993Val (NM_201378.4); c.5954C>T, p.Ala1985Val (NM_201379.3); c.6431C>T, p.Ala2144Val (NM_201380.4); c.5924C>T, p.Ala1975Val (NM_201381.3); c.6020C>T, p.Ala2007Val (NM_201382.4); c.6032C>T, p.Ala2011Val (NM_201383.3); short protein forms A1975V, A1985V, A1993V, A2007V, A2011V, A2034V, A2144V.
Identifiers: ClinVar variation 497004 (VCV000497004.16), dbSNP rs199754839, ClinGen allele CA4926140.